The following is an entry in ClinVar:

ClinVar aggregate classification (germline): Uncertain significance (1 of 4 stars; one submission).

Submission:

Labcorp Genetics (formerly Invitae), Labcorp
Classification: Uncertain significance. Last evaluated: 2023-09-14. Review status: criteria provided, single submitter. Criteria: Invitae Variant Classification Sherloc (09022015). Collection method: clinical testing. Allele origin: germline.
Comment: In summary, the available evidence is currently insufficient to determine the role of this variant in disease. Therefore, it has been classified as a Variant of Uncertain Significance. Experimental studies and prediction algorithms are not available or were not evaluated, and the effect of this variant on mRNA splicing is currently unknown. This variant has not been reported in the literature in individuals affected with IKZF1-related conditions. This variant is not present in population databases (gnomAD no frequency). This sequence change affects codon 279 of the IKZF1 mRNA. It is a 'silent' change, meaning that it does not change the encoded amino acid sequence of the IKZF1 protein.

NM_006060.6(IKZF1):c.837T>G (p.Pro279=)

Gene: IKZF1 (IKAROS family zinc finger 1; plus strand). Cytogenetic location: 7p12.2.
Variant type: single nucleotide variant.
Coding change: c.837T>G on transcript NM_006060.6 (MANE Select); coding-DNA position 837, T replaced by G.
Protein change: p.Pro279=; no amino-acid change (proline 279 retained).
Molecular consequence: synonymous variant. On other transcripts: intron variant (7).
Genome position (GRCh38, 1-based): chr7:50,391,850, T>G. VCF-style: chr7-50391850-T-G. GRCh37 (hg19) VCF-style: chr7-50459548-T-G.
Other names: c.711T>G, p.Pro237= (NM_001220765.3, NM_001291837.2); c.576T>G, p.Pro192= (NM_001291838.2); c.450T>G, p.Pro150= (NM_001291839.2); c.408T>G, p.Pro136= (NM_001291841.1); c.282T>G, p.Pro94= (NM_001291843.1); c.897T>G, p.Pro299= (NM_001410879.1); c.590-8068T>G (NM_001220768.2); c.422-8068T>G (NM_001220771.2); and 5 more.
Identifiers: ClinVar variation 2760694 (VCV002760694.3), dbSNP rs2538665012, ClinGen allele CA454933420.